The following is an entry in ClinVar:

NM_000722.4(CACNA2D1):c.1178A>G (p.Asn393Ser)

Genes: CACNA2D1 (calcium voltage-gated channel auxiliary subunit alpha2delta 1; minus strand), CACNA2D1-AS1 (CACNA2D1 antisense RNA 1; plus strand). Cytogenetic location: 7q21.11.
Variant type: single nucleotide variant.
Coding change: c.1178A>G on transcript NM_000722.4 (MANE Select); coding-DNA position 1178, A replaced by G.
Protein change: p.Asn393Ser; replaces asparagine 393 with serine.
Molecular consequence: missense variant.
Genome position (GRCh38, 1-based): chr7:82,014,445, T>C on the plus strand (A>G on the coding strand, the complement: CACNA2D1 is on the minus strand). VCF-style: chr7-82014445-T-C. GRCh37 (hg19) VCF-style: chr7-81643761-T-C.
Other names: c.1178A>G, p.Asn393Ser (NM_001366867.1); short protein forms N393S.
Identifiers: ClinVar variation 1059449 (VCV001059449.12), dbSNP rs149828018, ClinGen allele CA4318118.
Genomic context (GRCh38, chr7:82,014,445, plus strand): 5'-AAAACAGATTTGTTACCTTTGTTTTCACAGGCCATCCACTGAATAGGTCCTCTGTCATAA[T>C]TGTGTTGACCAACTGAAAACGTGAATACACGTACCTGGATGAATTGAAAAATAGGTATTC-3'
Protein context (NP_000713.2, residues 383-403): RVFTFSVGQH[Asn393Ser]YDRGPIQWMA

ClinVar aggregate classification (germline): Uncertain significance. Review status: criteria provided, multiple submitters, no conflicts (2 of 4 stars). 2 submissions from 2 submitters: Uncertain significance (2). Last evaluated 2025-03-28.

Conditions:
Cardiovascular phenotype. Identifiers: MedGen CN230736.
Brugada syndrome. Also called: Sudden Unexplained Nocturnal Death Syndrome (SUNDS); Sudden Unexplained Death Syndrome; Sudden unexpected nocturnal death syndrome; Sudden unexplained nocturnal death syndrome. Identifiers: Orphanet 130, MedGen C1142166, MONDO:0015263.

Allele frequency attached by ClinVar (database versions not stated): ExAC 0.00001; gnomAD exomes 0.00001 and 0.00002; gnomAD 0.00003 and 0.00004; TOPMed 0.00003; ESP Exome Variant Server 0.00008.

Submissions (2):

Ambry Genetics
Classification: Uncertain significance for Cardiovascular phenotype. Last evaluated: 2025-03-28. Review status: criteria provided, single submitter. Criteria: Ambry Variant Classification Scheme 2023. Collection method: clinical testing. Allele origin: germline.

Labcorp Genetics (formerly Invitae), Labcorp
Classification: Uncertain significance for Brugada syndrome. Last evaluated: 2024-11-10. Review status: criteria provided, single submitter. Criteria: Invitae Variant Classification Sherloc (09022015). Collection method: clinical testing. Allele origin: germline.
Comment: This sequence change replaces asparagine, which is neutral and polar, with serine, which is neutral and polar, at codon 393 of the CACNA2D1 protein (p.Asn393Ser). This variant is present in population databases (rs149828018, gnomAD 0.008%). This variant has not been reported in the literature in individuals affected with CACNA2D1-related conditions. ClinVar contains an entry for this variant (Variation ID: 1059449). Experimental studies and prediction algorithms are not available or were not evaluated, and the functional significance of this variant is currently unknown. In summary, the available evidence is currently insufficient to determine the role of this variant in disease. Therefore, it has been classified as a Variant of Uncertain Significance.